The following is an entry in ClinVar:

ClinVar aggregate classification (germline): Uncertain significance (0 of 4 stars; one submission).

gnomAD v4.1: 2 of 1,614,026 alleles (0.00012%); highest among the groups gnomAD compares: Non-Finnish European, 0.00017%; no homozygotes.

Submission:

Department of Pathology and Laboratory Medicine, Sinai Health System
Classification: Uncertain significance. Review status: no assertion criteria provided. Collection method: clinical testing. Allele origin: unknown. Affected: yes. Study: The Canadian Open Genetics Repository (COGR).
Comment: The GHSR p.G245S variant was not identified in the literature nor was it identified in dbSNP, ClinVar, LOVD 3.0 or in the following control databases: the 1000 Genomes Project, the NHLBI GO Exome Sequencing Project, the Exome Aggregation Consortium (August 8th 2016), or the Genome Aggregation Database (March 6, 2019, v2.1.1). The p.Gly245 residue is not conserved in mammals and computational analyses (PolyPhen-2, SIFT, AlignGVGD, BLOSUM, MutationTaster) do not suggest a high likelihood of impact to the protein; however, this information is not predictive enough to rule out pathogenicity. The variant occurs outside of the splicing consensus sequence and in silico or computational prediction software programs (SpliceSiteFinder, MaxEntScan, NNSPLICE, GeneSplicer) do not predict a difference in splicing. In summary, based on the above information the clinical significance of this variant cannot be determined with certainty at this time. This variant is classified as a variant of uncertain significance.

NM_198407.2(GHSR):c.733G>A (p.Gly245Ser)

Gene: GHSR (growth hormone secretagogue receptor; minus strand). Cytogenetic location: 3q26.31.
Variant type: single nucleotide variant.
Coding change: c.733G>A on transcript NM_198407.2 (MANE Select); coding-DNA position 733, G replaced by A.
Protein change: p.Gly245Ser; replaces glycine 245 with serine.
Molecular consequence: missense variant.
Genome position (GRCh38, 1-based): chr3:172,447,681, C>T on the plus strand (G>A on the coding strand, the complement: GHSR is on the minus strand). VCF-style: chr3-172447681-C-T. GRCh37 (hg19) VCF-style: chr3-172165471-C-T.
Other names: c.733G>A, p.Gly245Ser (NM_004122.2); short protein forms G245S.
Identifiers: ClinVar variation 1049156 (VCV001049156.1), dbSNP rs1176554055, ClinGen allele CA355513720.